The following is an entry in ClinVar:

NM_001429.4(EP300):c.5839A>G (p.Ile1947Val)

Gene: EP300 (EP300 lysine acetyltransferase; plus strand). Cytogenetic location: 22q13.2.
Variant type: single nucleotide variant.
Coding change: c.5839A>G on transcript NM_001429.4 (MANE Select); coding-DNA position 5839, A replaced by G.
Protein change: p.Ile1947Val; replaces isoleucine 1947 with valine.
Molecular consequence: missense variant.
Genome position (GRCh38, 1-based): chr22:41,177,550, A>G. VCF-style: chr22-41177550-A-G. GRCh37 (hg19) VCF-style: chr22-41573554-A-G.
Other names: c.5761A>G, p.Ile1921Val (NM_001362843.2); short protein forms I1947V, I1921V.
Identifiers: ClinVar variation 1033840 (VCV001033840.1), dbSNP rs977251718, ClinGen allele CA324559149.

ClinVar aggregate classification (germline): Uncertain significance (1 of 4 stars; one submission).

Conditions:
Rubinstein-Taybi syndrome due to EP300 haploinsufficiency. Also called: EP300-Related Rubinstein-Taybi Syndrome; RUBINSTEIN-TAYBI SYNDROME 2. Identifiers: Orphanet 353284, Orphanet 783, MedGen C3150941, MONDO:0013364, OMIM 613684.

Allele frequency attached by ClinVar (database versions not stated): TOPMed 0.00002.
gnomAD v4.1: 3 of 1,613,920 alleles (0.00019%); highest among the groups gnomAD compares: African/African-American, 0.004%; no homozygotes.

Submission:

Baylor Genetics
Classification: Uncertain significance for Rubinstein-Taybi syndrome due to EP300 haploinsufficiency. Last evaluated: 2018-12-12. Review status: criteria provided, single submitter. Criteria: ACMG Guidelines, 2015. Collection method: clinical testing. Allele origin: paternal. Affected: yes.
Comment: This variant was determined to be of uncertain significance according to ACMG Guidelines, 2015 [PMID:25741868].